The following is an entry in ClinVar:

NM_001267550.2(TTN):c.95330A>C (p.Glu31777Ala)

Genes: TTN (titin; minus strand), TTN-AS1 (TTN antisense RNA 1; plus strand). Cytogenetic location: 2q31.2.
Variant type: single nucleotide variant.
Coding change: c.95330A>C on transcript NM_001267550.2 (MANE Select); coding-DNA position 95330, A replaced by C.
Protein change: p.Glu31777Ala; replaces glutamic acid 31777 with alanine.
Molecular consequence: missense variant.
Genome position (GRCh38, 1-based): chr2:178,545,906, T>G on the plus strand (A>C on the coding strand, the complement: TTN is on the minus strand). VCF-style: chr2-178545906-T-G. GRCh37 (hg19) VCF-style: chr2-179410633-T-G.
Other names: c.90407A>C, p.Glu30136Ala (NM_001256850.1); c.68135A>C, p.Glu22712Ala (NM_003319.4); c.87626A>C, p.Glu29209Ala (NM_133378.4); c.68510A>C, p.Glu22837Ala (NM_133432.3); c.68711A>C, p.Glu22904Ala (NM_133437.4); short protein forms E22712A, E22904A, E31777A, E29209A, E30136A, E22837A.
Identifiers: ClinVar variation 1367662 (VCV001367662.8), dbSNP rs955172279, ClinGen allele CA60971486.

ClinVar aggregate classification (germline): Uncertain significance (1 of 4 stars; one submission).

Conditions:
Dilated cardiomyopathy 1G (CMD1G). Identifiers: Orphanet 154, MedGen C1858763, MONDO:0011400, OMIM 604145.
Autosomal recessive limb-girdle muscular dystrophy type 2J (LGMDR10). Also called: Limb-girdle muscular dystrophy, type 2J; MUSCULAR DYSTROPHY, LIMB-GIRDLE, AUTOSOMAL RECESSIVE 10. Identifiers: Orphanet 140922, MedGen C1837342, MONDO:0012127, OMIM 608807.

Allele frequency attached by ClinVar (database versions not stated): gnomAD exomes 0.00001; TOPMed 0.00001; gnomAD 0.00002.
gnomAD v4.1: 6 of 1,613,786 alleles (0.00037%); highest among the groups gnomAD compares: South Asian, 0.0011%; no homozygotes.

Submission:

Labcorp Genetics (formerly Invitae), Labcorp
Classification: Uncertain significance for Dilated cardiomyopathy 1G; Autosomal recessive limb-girdle muscular dystrophy type 2J. Last evaluated: 2022-03-08. Review status: criteria provided, single submitter. Criteria: Invitae Variant Classification Sherloc (09022015). Collection method: clinical testing. Allele origin: germline.
Comment: This sequence change replaces glutamic acid, which is acidic and polar, with alanine, which is neutral and non-polar, at codon 31777 of the TTN protein (p.Glu31777Ala). This variant is located in the A band of TTN (PMID: 25589632). Variants in this region may be relevant for cardiac or neuromuscular disorders (PMID: 25589632, 23975875). In summary, the available evidence is currently insufficient to determine the role of this variant in disease. Therefore, it has been classified as a Variant of Uncertain Significance. This variant is not present in population databases (gnomAD no frequency). This variant has not been reported in the literature in individuals affected with TTN-related conditions. Experimental studies and prediction algorithms are not available or were not evaluated, and the functional significance of this variant is currently unknown.

Literature cited by the submitters: PubMed 25589632; PubMed 23975875.